The following is an entry in ClinVar:

NM_000038.6(APC):c.6020A>T (p.Tyr2007Phe)

Gene: APC (APC regulator of Wnt signaling pathway; plus strand). Cytogenetic location: 5q22.2.
Variant type: single nucleotide variant.
Coding change: c.6020A>T on transcript NM_000038.6 (MANE Select); coding-DNA position 6020, A replaced by T.
Protein change: p.Tyr2007Phe; replaces tyrosine 2007 with phenylalanine.
Molecular consequence: missense variant. On other transcripts: non-coding transcript variant (2).
Genome position (GRCh38, 1-based): chr5:112,841,614, A>T. VCF-style: chr5-112841614-A-T. GRCh37 (hg19) VCF-style: chr5-112177311-A-T.
Other names: c.6020A>T, p.Tyr2007Phe (NM_001127510.3, NM_001354895.2, NM_001407450.1); c.5966A>T, p.Tyr1989Phe (NM_001127511.3); c.6074A>T, p.Tyr2025Phe (NM_001354896.2, NM_001407447.1, NM_001407448.1 and 1 more transcripts); c.6050A>T, p.Tyr2017Phe (NM_001354897.2); c.5945A>T, p.Tyr1982Phe (NM_001354898.2); c.5936A>T, p.Tyr1979Phe (NM_001354899.2); c.5897A>T, p.Tyr1966Phe (NM_001354900.2); c.5843A>T, p.Tyr1948Phe (NM_001354901.2, NM_001407453.1); and 11 more; short protein forms Y1623F, Y1906F, Y1966F, Y1979F, Y1982F, Y1881F, Y1989F, Y2007F.
Identifiers: ClinVar variation 2624855 (VCV002624855.2), dbSNP rs752604668, ClinGen allele CA16034505.

ClinVar aggregate classification (germline): Uncertain significance (1 of 4 stars; one submission).

Conditions:
Hereditary cancer-predisposing syndrome. Also called: Tumor predisposition; Hereditary Cancer Syndrome; Hereditary neoplastic syndrome; Neoplastic Syndromes, Hereditary. Identifiers: Orphanet 140162, MedGen C0027672, MeSH D009386, MONDO:0015356.

Submission:

Ambry Genetics
Classification: Uncertain significance for Hereditary cancer-predisposing syndrome. Last evaluated: 2023-08-29. Review status: criteria provided, single submitter. Criteria: Ambry Variant Classification Scheme 2023. Collection method: clinical testing. Allele origin: germline.
Comment: The p.Y2007F variant (also known as c.6020A>T), located in coding exon 15 of the APC gene, results from an A to T substitution at nucleotide position 6020. The tyrosine at codon 2007 is replaced by phenylalanine, an amino acid with highly similar properties. This amino acid position is conserved. In addition, in silico predictors for this gene do not accurately predict pathogenicity. Since supporting evidence is limited at this time, the clinical significance of this alteration remains unclear.